The following is an entry in ClinVar:

ClinVar aggregate classification (germline): Uncertain significance (1 of 4 stars; one submission).

Allele frequency attached by ClinVar (database versions not stated): gnomAD exomes below 0.00001.
gnomAD v4.1: 1 of 1,614,190 alleles (0.000062%); highest among the groups gnomAD compares: South Asian, 0.0011%; no homozygotes.

Submission:

Labcorp Genetics (formerly Invitae), Labcorp
Classification: Uncertain significance. Last evaluated: 2023-03-10. Review status: criteria provided, single submitter. Criteria: Invitae Variant Classification Sherloc (09022015). Collection method: clinical testing. Allele origin: germline.
Comment: This sequence change replaces alanine, which is neutral and non-polar, with serine, which is neutral and polar, at codon 167 of the MYO5B protein (p.Ala167Ser). This variant is present in population databases (no rsID available, gnomAD 0.003%). ClinVar contains an entry for this variant (Variation ID: 1507894). This variant has not been reported in the literature in individuals affected with MYO5B-related conditions. In summary, the available evidence is currently insufficient to determine the role of this variant in disease. Therefore, it has been classified as a Variant of Uncertain Significance. Advanced modeling of protein sequence and biophysical properties (such as structural, functional, and spatial information, amino acid conservation, physicochemical variation, residue mobility, and thermodynamic stability) performed at Invitae indicates that this missense variant is expected to disrupt MYO5B protein function.

NM_001080467.3(MYO5B):c.499G>T (p.Ala167Ser)

Gene: MYO5B (myosin VB; minus strand). Cytogenetic location: 18q21.1.
Variant type: single nucleotide variant.
Coding change: c.499G>T on transcript NM_001080467.3 (MANE Select); coding-DNA position 499, G replaced by T.
Protein change: p.Ala167Ser; replaces alanine 167 with serine.
Molecular consequence: missense variant.
Genome position (GRCh38, 1-based): chr18:50,001,368, C>A on the plus strand (G>T on the coding strand, the complement: MYO5B is on the minus strand). VCF-style: chr18-50001368-C-A. GRCh37 (hg19) VCF-style: chr18-47527738-C-A.
Other names: short protein forms A167S.
Identifiers: ClinVar variation 1507894 (VCV001507894.8), dbSNP rs1438462255, ClinGen allele CA402439989.
Genomic context (GRCh38, chr18:50,001,368, plus strand): 5'-CCGAGCCACCAACGGTGGCGAAATAGCGCATGGCATACTTGGCTGATACCGTCTTCCCGG[C>A]TCCAGACTCCCCACTGACTATGATGGACTGATTCTTCTCATCTCTGGAAGGAAAAAAGCT-3'
Protein context (NP_001073936.1, residues 157-177): QSIIVSGESG[Ala167Ser]GKTVSAKYAM